The following is an entry in ClinVar:

NM_000384.3(APOB):c.2802G>C (p.Lys934Asn)

Gene: APOB (apolipoprotein B; minus strand). Cytogenetic location: 2p24.1.
Variant type: single nucleotide variant.
Coding change: c.2802G>C on transcript NM_000384.3 (MANE Select); coding-DNA position 2802, G replaced by C.
Protein change: p.Lys934Asn; replaces lysine 934 with asparagine.
Molecular consequence: missense variant.
Genome position (GRCh38, 1-based): chr2:21,022,845, C>G on the plus strand (G>C on the coding strand, the complement: APOB is on the minus strand). VCF-style: chr2-21022845-C-G. GRCh37 (hg19) VCF-style: chr2-21245717-C-G.
Other names: short protein forms K934N.
Identifiers: ClinVar variation 3902896 (VCV003902896.1).
Genomic context (GRCh38, chr2:21,022,845, plus strand): 5'-GTTCTCTCTTTCAAACTGGCTAGGCAGACTTGGCTGAAAGAATTACCCTCCACTGAGCAG[C>G]TTGACTGGTCTCTTTGGGGAAGGAATGATAAACTTCAGCTTCCCAGCTTTTAGGGCAACA-3'
Protein context (NP_000375.3, residues 924-944): FIIPSPKRPV[Lys934Asn]LLSGGNTLHL

ClinVar aggregate classification (germline): Uncertain significance (1 of 4 stars; one submission).

Submission:

GeneDx
Classification: Uncertain significance. Last evaluated: 2024-12-10. Review status: criteria provided, single submitter. Criteria: GeneDx Variant Classification Process June 2021. Collection method: clinical testing. Allele origin: germline. Affected: yes.
Comment: Not observed at significant frequency in large population cohorts (gnomAD); In silico analysis indicates that this missense variant does not alter protein structure/function; Has not been previously published as pathogenic or benign to our knowledge